The following is an entry in ClinVar:

ClinVar aggregate classification (germline): Benign/Likely benign. Review status: criteria provided, multiple submitters, no conflicts (2 of 4 stars). 3 submissions from 3 submitters: Benign (2); Likely benign (1). Last evaluated 2026-06-01.

Submissions (3):

CeGaT Center for Human Genetics Tuebingen
Classification: Likely benign. Last evaluated: 2026-06-01. Review status: criteria provided, single submitter. Criteria: CeGaT Center For Human Genetics Tuebingen Variant Classification Criteria Version 2. Collection method: clinical testing. Allele origin: germline. Affected: yes. Observed: 4 variant alleles.
Comment: RELN: BP4, BS2

Mayo Clinic Laboratories, Mayo Clinic
Classification: Benign. Last evaluated: 2025-06-03. Review status: criteria provided, single submitter. Criteria: ACMG Guidelines, 2015. Collection method: clinical testing. Allele origin: germline. Observed: 1 variant allele.
Comment: BS1, BS2, BP4

GeneDx
Classification: Benign. Last evaluated: 2015-03-03. Review status: criteria provided, single submitter. Criteria: GeneDx Variant Classification Process June 2021. Collection method: clinical testing. Allele origin: germline. Affected: yes.

NM_005045.4(RELN):c.-24GGC[7]

Gene: RELN (reelin; minus strand). Cytogenetic location: 7q22.1.
Variant type: Microsatellite.
Coding change: c.-24GGC[7] on transcript NM_005045.4 (MANE Select); seven copies in a row of the 3-base unit GGC starting at c.-24; the reference has eight copies in a row; one copy, 3 bases deleted.
Molecular consequence: 5 prime UTR variant.
Genome position (GRCh38, 1-based): chr7:103,989,357-103,989,359, GCC deleted on the plus strand (GGC on the coding strand, the reverse complement: RELN is on the minus strand); deleting any 3 consecutive bases within chr7:103,989,357-103,989,382 gives the same sequence; the position shown is the placement nearest the transcript's 3' end. VCF-style (leftmost placement, unchanged base first): chr7-103989356-TGCC-T. GRCh37 (hg19) VCF-style: chr7-103629803-TGCC-T.
Other names: c.-24GGC[7] (NM_173054.3); c.-3_-1del (NM_005045.4).
Identifiers: ClinVar variation 358429 (VCV000358429.31), dbSNP rs55656324, ClinGen allele CA10622896.